The following is an entry in ClinVar:

ClinVar aggregate classification (germline): Uncertain significance (1 of 4 stars; one submission).

Conditions:
Deficiency of ferroxidase (ACEP). Also called: Aceruloplasminemia; Deficiency of ceruloplasmin; NEURODEGENERATION WITH BRAIN IRON ACCUMULATION 10; Ceruloplasmin deficiency; Familial apoceruloplasmin deficiency; Hereditary ceruloplasmin deficiency. Identifiers: Orphanet 48818, MedGen C0878682, MONDO:0011426, OMIM 604290, HP:0025498.

Allele frequency attached by ClinVar (database versions not stated): TOPMed below 0.00001; gnomAD exomes below 0.00001.
gnomAD v4.1: 1 of 1,614,198 alleles (0.000062%); highest among the groups gnomAD compares: Admixed American, 0.0017%; no homozygotes.

Submission:

Labcorp Genetics (formerly Invitae), Labcorp
Classification: Uncertain significance for Deficiency of ferroxidase. Last evaluated: 2022-08-23. Review status: criteria provided, single submitter. Criteria: Invitae Variant Classification Sherloc (09022015). Collection method: clinical testing. Allele origin: germline.
Comment: In summary, the available evidence is currently insufficient to determine the role of this variant in disease. Therefore, it has been classified as a Variant of Uncertain Significance. Algorithms developed to predict the effect of sequence changes on RNA splicing suggest that this variant may create or strengthen a splice site. Advanced modeling of protein sequence and biophysical properties (such as structural, functional, and spatial information, amino acid conservation, physicochemical variation, residue mobility, and thermodynamic stability) performed at Invitae indicates that this missense variant is expected to disrupt CP protein function. ClinVar contains an entry for this variant (Variation ID: 1428928). This variant has not been reported in the literature in individuals affected with CP-related conditions. This variant is not present in population databases (gnomAD no frequency). This sequence change replaces methionine, which is neutral and non-polar, with valine, which is neutral and non-polar, at codon 687 of the CP protein (p.Met687Val).

NM_000096.4(CP):c.2059A>G (p.Met687Val)

Gene: CP (ceruloplasmin; minus strand). Cytogenetic location: 3q24.
Variant type: single nucleotide variant.
Coding change: c.2059A>G on transcript NM_000096.4 (MANE Select); coding-DNA position 2059, A replaced by G.
Protein change: p.Met687Val; replaces methionine 687 with valine.
Molecular consequence: missense variant.
Genome position (GRCh38, 1-based): chr3:149,186,538, T>C on the plus strand (A>G on the coding strand, the complement: CP is on the minus strand). VCF-style: chr3-149186538-T-C. GRCh37 (hg19) VCF-style: chr3-148904325-T-C.
Other names: short protein forms M687V.
Identifiers: ClinVar variation 1428928 (VCV001428928.5), dbSNP rs1726183089, ClinGen allele CA354932304.